The following is an entry in ClinVar:

NM_000551.4(VHL):c.388G>A (p.Val130Ile)

Genes: VHL (von Hippel-Lindau tumor suppressor; plus strand), LOC107303340 (3p25 von Hippel-Lindau tumor suppressor, E3 ubiquitin protein ligase Alu-mediated recombination region; plus strand). Cytogenetic location: 3p25.3.
Variant type: single nucleotide variant.
Coding change: c.388G>A on transcript NM_000551.4 (MANE Select); coding-DNA position 388, G replaced by A.
Protein change: p.Val130Ile; replaces valine 130 with isoleucine.
Molecular consequence: missense variant. On other transcripts: intron variant (2).
Genome position (GRCh38, 1-based): chr3:10,146,561, G>A. VCF-style: chr3-10146561-G-A. GRCh37 (hg19) VCF-style: chr3-10188245-G-A.
Other names: c.*18-3226G>A (NM_001354723.2); c.341-3226G>A (NM_198156.3); short protein forms V130I.
Identifiers: ClinVar variation 1735887 (VCV001735887.11), dbSNP rs104893830, ClinGen allele CA351753916.

ClinVar aggregate classification (germline): Conflicting classifications of pathogenicity. Review status: criteria provided, conflicting classifications (1 of 4 stars). 4 submissions from 4 submitters: Pathogenic (2); Likely pathogenic (1); Uncertain significance (1). Last evaluated 2026-09-14.

Conditions:
Hereditary cancer-predisposing syndrome. Also called: Hereditary Cancer Syndrome; Hereditary neoplastic syndrome; Neoplastic Syndromes, Hereditary; Tumor predisposition. Identifiers: Orphanet 140162, MedGen C0027672, MeSH D009386, MONDO:0015356.
Chuvash polycythemia. Also called: POLYCYTHEMIA, VHL-DEPENDENT. Identifiers: Orphanet 238557, MedGen C1837915, MONDO:0009892, OMIM 263400.
Von Hippel-Lindau syndrome (VHLS). Also called: Von Hippel-Lindau; von Hippel–Lindau syndrome; VHL syndrome. Identifiers: Orphanet 892, MedGen C0019562, MONDO:0008667, OMIM 193300. Disease mechanism: loss of function.

Allele frequency attached by ClinVar (database versions not stated): gnomAD exomes below 0.00001.
gnomAD v4.1: 1 of 1,614,016 alleles (0.000062%); highest among the groups gnomAD compares: Non-Finnish European, 0.000085%; no homozygotes.

Submissions (4):

Ambry Genetics
Classification: Uncertain significance for Hereditary cancer-predisposing syndrome. Last evaluated: 2026-09-14. Review status: criteria provided, single submitter. Criteria: Ambry Variant Classification Scheme 2023. Collection method: clinical testing. Allele origin: germline.
Comment: The p.V130I variant (also known as c.388G>A), located in coding exon 2 of the VHL gene, results from a G to A substitution at nucleotide position 388. The valine at codon 130 is replaced by isoleucine, an amino acid with highly similar properties. This variant was reported in individual(s) with features consistent with von Hippel-Lindau syndrome (Reich M et al. Acta Ophthalmol, 2021 Dec;99:e1492-e1500). This variant was determined to be functionally neutral in one saturation genome editing assay (Buckley M et al. Nat Genet, 2024 Jul;56:1446-1455). This amino acid position is highly conserved in available vertebrate species. In addition, this alteration is predicted to be deleterious by in silico analysis. Based on the available evidence, the clinical significance of this variant remains unclear.

Victorian Clinical Genetics Services, Murdoch Childrens Research Institute
Classification: Pathogenic for Chuvash polycythemia. Last evaluated: 2026-03-03. Review status: criteria provided, single submitter. Criteria: ACMG Guidelines, 2015. Collection method: clinical testing. Allele origin: germline. Affected: yes.
Comment: This variant is classified as Pathogenic. Evidence in support of pathogenic classification: Variant is present in gnomAD <0.01 (v4: 1 heterozygote(s), 0 homozygote(s); This variant has moderate previous evidence of pathogenicity in unrelated individuals. This variant has been classified once each as pathogenic, likely pathogenic and a VUS in ClinVar and has been reported in at least three individuals with von Hippel-Lindau syndrome (PMID: 33720516, PMID: 28559085). This variant has also been reported as compound heterozygous with a second missense variant in an individual with erythrocytosis and pheochromocytoma (PMID: 22393103); Other missense variants comparable to the one identified in this case have strong previous evidence for pathogenicity. The p.(Val130Phe) and p.(Val130Leu) variants have been classified as pathogenic by multiple clinical laboratories (ClinVar); Missense variant predicted to be damaging by in silico tool(s) or highly conserved with a major amino acid change. Additional information: Variant is predicted to result in a missense amino acid change from Val to Ile; This variant is heterozygous; This gene is associated with both recessive and dominant disease. This gene is associated with autosomal recessive erythrocytosis, familial, 2 (MIM#263400), autosomal dominant von Hippel-Lindau syndrome (MIM#193300) and autosomal dominant pheochromocytoma (MIM#171300); No published functional evidence has been identified for this variant; Variant is located in the annotated VHL beta domain (DECIPHER); Loss of function is a known mechanism of disease in this gene and is associated with erythrocytosis, familial, 2 (MIM#263400), von Hippel-Lindau syndrome (MIM#193300) and pheochromocytoma (MIM#171300); Variants in this gene are known to have variable expressivity. Variability has been noted for erythrocytosis, familial, 2 (MIM#263400) and von Hippel-Lindau syndrome (MIM#193300) (OMIM); Inheritance information for this variant is not currently available in this individual.

Center for Genomic Medicine, Rigshospitalet, Copenhagen University Hospital
Classification: Likely pathogenic. Last evaluated: 2025-03-04. Review status: criteria provided, single submitter. Criteria: ACMG Guidelines, 2015. Collection method: clinical testing. Allele origin: germline.
Comment: Classification criteria: PS4_Moderate, PM2_Supporting, PM5, PP3_Supporting

Labcorp Genetics (formerly Invitae), Labcorp
Classification: Pathogenic for Von Hippel-Lindau syndrome; Chuvash polycythemia. Last evaluated: 2025-01-12. Review status: criteria provided, single submitter. Criteria: Invitae Variant Classification Sherloc (09022015). Collection method: clinical testing. Allele origin: germline.
Comment: This sequence change replaces valine, which is neutral and non-polar, with isoleucine, which is neutral and non-polar, at codon 130 of the VHL protein (p.Val130Ile). This variant is not present in population databases (gnomAD no frequency). This missense change has been observed in individual(s) with VHL-related conditions (PMID: 22393103). In at least one individual the data is consistent with being in trans (on the opposite chromosome) from a pathogenic variant. ClinVar contains an entry for this variant (Variation ID: 1735887). Invitae Evidence Modeling of protein sequence and biophysical properties (such as structural, functional, and spatial information, amino acid conservation, physicochemical variation, residue mobility, and thermodynamic stability) indicates that this missense variant is expected to disrupt VHL protein function with a positive predictive value of 95%. This variant disrupts the p.Val130 amino acid residue in VHL. Other variant(s) that disrupt this residue have been determined to be pathogenic (PMID: 9829912, 10570625, 12202531, 12393546, 24581539). This suggests that this residue is clinically significant, and that variants that disrupt this residue are likely to be disease-causing. For these reasons, this variant has been classified as Pathogenic.

Literature cited by the submitters: PubMed 22393103 (cited by 4 submitters); PubMed 33720516 (cited by 3 submitters); PubMed 38969834 (cited by Ambry Genetics); PubMed 28559085 (cited by Victorian Clinical Genetics Services, Murdoch Childrens Research Institute and Center for Genomic Medicine, Rigshospitalet, Copenhagen University Hospital); PubMed 36625343 (cited by Center for Genomic Medicine, Rigshospitalet, Copenhagen University Hospital); PubMed 21715564 (cited by Center for Genomic Medicine, Rigshospitalet, Copenhagen University Hospital); PubMed 9829912 (cited by Labcorp Genetics (formerly Invitae), Labcorp); PubMed 10570625 (cited by Labcorp Genetics (formerly Invitae), Labcorp); PubMed 12202531 (cited by Labcorp Genetics (formerly Invitae), Labcorp); PubMed 12393546 (cited by Labcorp Genetics (formerly Invitae), Labcorp); PubMed 24581539 (cited by Labcorp Genetics (formerly Invitae), Labcorp).